The following is an entry in ClinVar:

ClinVar aggregate classification (germline): Uncertain significance (1 of 4 stars; one submission).

Submission:

Ambry Genetics
Classification: Uncertain significance. Last evaluated: 2025-05-05. Review status: criteria provided, single submitter. Criteria: Ambry Variant Classification Scheme 2023. Collection method: clinical testing. Allele origin: germline.
Comment: The p.E1610V variant (also known as c.4829A>T), located in coding exon 19 of the WNK2 gene, results from an A to T substitution at nucleotide position 4829. The glutamic acid at codon 1610 is replaced by valine, an amino acid with dissimilar properties. This amino acid position is conserved. In addition, this alteration is predicted to be tolerated by in silico analysis. Based on the available evidence, the clinical significance of this variant remains unclear.

NM_006648.4(WNK2):c.4829A>T (p.Glu1610Val)

Gene: WNK2 (WNK lysine deficient protein kinase 2; plus strand). Cytogenetic location: 9q22.31.
Variant type: single nucleotide variant.
Coding change: c.4829A>T on transcript NM_006648.4 (MANE Select); coding-DNA position 4829, A replaced by T.
Protein change: p.Glu1610Val; replaces glutamic acid 1610 with valine.
Molecular consequence: missense variant.
Genome position (GRCh38, 1-based): chr9:93,289,583, A>T. VCF-style: chr9-93289583-A-T. GRCh37 (hg19) VCF-style: chr9-96051865-A-T.
Other names: c.4940A>T, p.Glu1647Val (NM_001282394.3); short protein forms E1647V, E1610V.
Identifiers: ClinVar variation 3982003 (VCV003982003.1).